The following is an entry in ClinVar:

ClinVar aggregate classification (germline): Uncertain significance (1 of 4 stars; one submission).

Allele frequency attached by ClinVar (database versions not stated): gnomAD 0.00001.
gnomAD v4.1: 12 of 1,274,796 alleles (0.00094%); highest among the groups gnomAD compares: Middle Eastern, 0.026%; no homozygotes.

Submission:

Labcorp Genetics (formerly Invitae), Labcorp
Classification: Uncertain significance. Last evaluated: 2024-08-30. Review status: criteria provided, single submitter. Criteria: Invitae Variant Classification Sherloc (09022015). Collection method: clinical testing. Allele origin: germline.
Comment: This sequence change replaces serine, which is neutral and polar, with tyrosine, which is neutral and polar, at codon 3 of the SUCLG2 protein (p.Ser3Tyr). This variant is not present in population databases (gnomAD no frequency). This variant has not been reported in the literature in individuals affected with SUCLG2-related conditions. ClinVar contains an entry for this variant (Variation ID: 2195656). An algorithm developed to predict the effect of missense changes on protein structure and function outputs the following: PolyPhen-2: "Benign". The tyrosine amino acid residue is found in multiple mammalian species, which suggests that this missense change does not adversely affect protein function. In summary, the available evidence is currently insufficient to determine the role of this variant in disease. Therefore, it has been classified as a Variant of Uncertain Significance.

NM_003848.4(SUCLG2):c.8C>A (p.Ser3Tyr)

Gene: SUCLG2 (succinate-CoA ligase GDP-forming subunit beta; minus strand). Cytogenetic location: 3p14.1.
Variant type: single nucleotide variant.
Coding change: c.8C>A on transcript NM_003848.4 (MANE Select); coding-DNA position 8, C replaced by A.
Protein change: p.Ser3Tyr; replaces serine 3 with tyrosine.
Molecular consequence: missense variant.
Genome position (GRCh38, 1-based): chr3:67,654,579, G>T on the plus strand (C>A on the coding strand, the complement: SUCLG2 is on the minus strand). VCF-style: chr3-67654579-G-T. GRCh37 (hg19) VCF-style: chr3-67705003-G-T.
Other names: c.8C>A, p.Ser3Tyr (NM_001177599.2); short protein forms S3Y.
Identifiers: ClinVar variation 2195656 (VCV002195656.4), dbSNP rs955603722, ClinGen allele CA76766492.